The following is an entry in ClinVar:

ClinVar aggregate classification (germline): Likely pathogenic (1 of 4 stars; one submission).

Conditions:
Wieacker-Wolff syndrome. Also called: Intellectual disability-developmental delay-contractures syndrome; Wieacker-Wolff, X-linked recessive; APRAXIA, OCULOMOTOR, WITH CONGENITAL CONTRACTURES AND MUSCLE ATROPHY; MENTAL RETARDATION, X-LINKED, SYNDROMIC 4; MENTAL RETARDATION, X-LINKED, WITH CONGENITAL CONTRACTURES AND LOW FINGERTIP ARCHES; CONTRACTURES OF FEET, MUSCLE ATROPHY, AND OCULOMOTOR APRAXIA. Identifiers: Orphanet 3454, Orphanet 85283, MedGen C0796200, MONDO:0010758, OMIM 314580.

Submission:

Rady Children's Institute for Genomic Medicine, Rady Children's Hospital San Diego
Classification: Likely pathogenic for WIEACKER-WOLFF SYNDROME. Last evaluated: 2023-10-03. Review status: criteria provided, single submitter. Criteria: ACMG Guidelines, 2015. Collection method: clinical testing. Allele origin: germline. Affected: yes.
Comment: This variant affects the canonical splice acceptor site of intron 2 and is therefore predicted to interfere with splicing and result in loss of normal protein function through either protein truncation or nonsense-mediated mRNA decay. Variants in affected males are mostly inherited missense and are likely hypomorphic alleles, whereas female patients have de novo loss-of-function variants, which are likely lethal in males (PMID: 31206972). This variant has not been previously reported or functionally characterized in the literature to our knowledge. The c.226-1G>C variant is absent from the gnomAD population database and thus is presumed to be rare. Analysis of the parental samples was negative for the variant, indicating this variant likely occurred as a de novo event. Based on the available evidence, c.226-1G>C is classified as Likely Pathogenic.

Literature cited by the submitters: PubMed 31206972.

NM_018684.4(ZC4H2):c.226-1G>C

Gene: ZC4H2 (zinc finger C4H2-type containing; minus strand). Cytogenetic location: Xq11.2.
Variant type: single nucleotide variant.
Coding change: c.226-1G>C on transcript NM_018684.4 (MANE Select); the canonical splice acceptor site of the intron before coding-DNA position 226, G replaced by C.
Molecular consequence: splice acceptor variant.
Genome position (GRCh38, 1-based): chrX:64,920,254, C>G on the plus strand (G>C on the coding strand, the complement: ZC4H2 is on the minus strand). VCF-style: chrX-64920254-C-G. GRCh37 (hg19) VCF-style: chrX-64140134-C-G.
Other names: c.157-1G>C (NM_001243804.2, NM_001178032.3); c.226-1G>C (NM_001178033.3).
Identifiers: ClinVar variation 3773845 (VCV003773845.1).